The following is an entry in ClinVar:

ClinVar aggregate classification (germline): Likely benign. Review status: criteria provided, multiple submitters, no conflicts (2 of 4 stars). 4 submissions from 4 submitters: Likely benign (4). Last evaluated 2025-05-19.

Conditions:
RAI1-related disorder. Also called: RAI1-related condition.
Inborn genetic diseases. Identifiers: MedGen C0950123, MeSH D030342.

Allele frequency attached by ClinVar (database versions not stated): gnomAD 0.00002; TOPMed 0.00002; gnomAD exomes 0.00004 and 0.00010; ExAC 0.00008.
gnomAD v4.1: 60 of 1,609,856 alleles (0.0037%); highest among the groups gnomAD compares: East Asian, 0.051%; no homozygotes.

Submissions (4):

Labcorp Genetics (formerly Invitae), Labcorp
Classification: Likely benign. Last evaluated: 2025-05-19. Review status: criteria provided, single submitter. Criteria: Invitae Variant Classification Sherloc (09022015). Collection method: clinical testing. Allele origin: germline.

PreventionGenetics, part of Exact Sciences
Classification: Likely benign for RAI1-related condition. Last evaluated: 2024-12-19. Review status: criteria provided, single submitter. Criteria: ACMG Guidelines, 2015. Collection method: clinical testing. Allele origin: germline.
Comment: This variant is classified as likely benign based on ACMG/AMP sequence variant interpretation guidelines (Richards et al. 2015 PMID: 25741868, with internal and published modifications).

Ambry Genetics
Classification: Likely benign for Inborn genetic diseases. Last evaluated: 2024-03-07. Review status: criteria provided, single submitter. Criteria: Ambry Variant Classification Scheme 2023. Collection method: clinical testing. Allele origin: germline.

Blueprint Genetics
Classification: Likely benign. Last evaluated: 2022-02-02. Review status: criteria provided, single submitter. Criteria: ACMG Guidelines, 2015. Collection method: clinical testing. Allele origin: germline.

NM_030665.4(RAI1):c.2354A>G (p.His785Arg)

Gene: RAI1 (retinoic acid induced 1; plus strand). Cytogenetic location: 17p11.2.
Variant type: single nucleotide variant.
Coding change: c.2354A>G on transcript NM_030665.4 (MANE Select); coding-DNA position 2354, A replaced by G.
Protein change: p.His785Arg; replaces histidine 785 with arginine.
Molecular consequence: missense variant.
Genome position (GRCh38, 1-based): chr17:17,795,302, A>G. VCF-style: chr17-17795302-A-G. GRCh37 (hg19) VCF-style: chr17-17698616-A-G.
Other names: c.2354A>G (NM_030665.3); short protein forms H785R.
Identifiers: ClinVar variation 1545477 (VCV001545477.11), dbSNP rs768449616, ClinGen allele CA8418517.